The following is an entry in ClinVar:

ClinVar aggregate classification (germline): Uncertain significance (1 of 4 stars; one submission).

Allele frequency attached by ClinVar (database versions not stated): ExAC 0.00001; gnomAD 0.00001; gnomAD exomes 0.00001; TOPMed 0.00002.

Submission:

Labcorp Genetics (formerly Invitae), Labcorp
Classification: Uncertain significance. Last evaluated: 2022-08-16. Review status: criteria provided, single submitter. Criteria: Invitae Variant Classification Sherloc (09022015). Collection method: clinical testing. Allele origin: germline.
Comment: This sequence change replaces methionine, which is neutral and non-polar, with threonine, which is neutral and polar, at codon 1673 of the DMXL2 protein (p.Met1673Thr). In summary, the available evidence is currently insufficient to determine the role of this variant in disease. Therefore, it has been classified as a Variant of Uncertain Significance. Algorithms developed to predict the effect of missense changes on protein structure and function are either unavailable or do not agree on the potential impact of this missense change (SIFT: "Deleterious"; PolyPhen-2: "Benign"; Align-GVGD: "Class C45"). ClinVar contains an entry for this variant (Variation ID: 1523027). This variant has not been reported in the literature in individuals affected with DMXL2-related conditions. This variant is present in population databases (rs756526278, gnomAD 0.002%).

NM_001378457.1(DMXL2):c.5018T>C (p.Met1673Thr)

Gene: DMXL2 (Dmx like 2; minus strand). Cytogenetic location: 15q21.2.
Variant type: single nucleotide variant.
Coding change: c.5018T>C on transcript NM_001378457.1 (MANE Select); coding-DNA position 5018, T replaced by C.
Protein change: p.Met1673Thr; replaces methionine 1673 with threonine.
Molecular consequence: missense variant. On other transcripts: non-coding transcript variant (2).
Genome position (GRCh38, 1-based): chr15:51,488,581, A>G on the plus strand (T>C on the coding strand, the complement: DMXL2 is on the minus strand). VCF-style: chr15-51488581-A-G. GRCh37 (hg19) VCF-style: chr15-51780778-A-G.
Other names: c.5018T>C, p.Met1673Thr (NM_001174116.3, NM_001378458.1, NM_001378459.1 and 4 more transcripts); c.3110T>C, p.Met1037Thr (NM_001174117.3); c.2999T>C, p.Met1000Thr (NM_001378460.1); c.4778T>C, p.Met1593Thr (NM_001378464.1); short protein forms M1000T, M1593T, M1673T, M1037T.
Identifiers: ClinVar variation 1523027 (VCV001523027.6), dbSNP rs756526278, ClinGen allele CA7561882.